The following is an entry in ClinVar:

ClinVar aggregate classification (germline): Uncertain significance (1 of 4 stars; one submission).

Submission:

GeneDx
Classification: Uncertain significance. Last evaluated: 2024-05-23. Review status: criteria provided, single submitter. Criteria: GeneDx Variant Classification Process June 2021. Collection method: clinical testing. Allele origin: germline. Affected: yes.
Comment: Not observed at significant frequency in large population cohorts (gnomAD); In silico analysis supports that this missense variant has a deleterious effect on protein structure/function; Has not been previously published as pathogenic or benign to our knowledge

NM_015656.2(KIF26A):c.1799G>A (p.Arg600His)

Gene: KIF26A (kinesin family member 26A; plus strand). Cytogenetic location: 14q32.33.
Variant type: single nucleotide variant.
Coding change: c.1799G>A on transcript NM_015656.2 (MANE Select); coding-DNA position 1799, G replaced by A.
Protein change: p.Arg600His; replaces arginine 600 with histidine.
Molecular consequence: missense variant.
Genome position (GRCh38, 1-based): chr14:104,173,445, G>A. VCF-style: chr14-104173445-G-A. GRCh37 (hg19) VCF-style: chr14-104639782-G-A.
Other names: short protein forms R600H.
Identifiers: ClinVar variation 3381619 (VCV003381619.1).